The following is an entry in ClinVar:

ClinVar aggregate classification (germline): Likely pathogenic (1 of 4 stars; one submission).

Submission:

Labcorp Genetics (formerly Invitae), Labcorp
Classification: Likely pathogenic. Last evaluated: 2023-08-08. Review status: criteria provided, single submitter. Criteria: Invitae Variant Classification Sherloc (09022015). Collection method: clinical testing. Allele origin: germline.
Comment: This variant, c.352_369del, results in the deletion of 6 amino acid(s) of the FOXL2 protein (p.Glu118_Arg123del), but otherwise preserves the integrity of the reading frame. In summary, the currently available evidence indicates that the variant is pathogenic, but additional data are needed to prove that conclusively. Therefore, this variant has been classified as Likely Pathogenic. Experimental studies and prediction algorithms are not available or were not evaluated, and the functional significance of this variant is currently unknown. This variant has been observed in individual(s) with blepharophimosis (Invitae). In at least one individual the variant was observed to be de novo. This variant is not present in population databases (gnomAD no frequency).

NM_023067.4(FOXL2):c.352_369del (p.Glu118_Arg123del)

Gene: FOXL2 (forkhead box L2; minus strand). Cytogenetic location: 3q22.3.
Variant type: Deletion.
Coding change: c.352_369del on transcript NM_023067.4 (MANE Select); coding-DNA positions 352 to 369, 18 bases deleted (GAGGGCGGCGGCGAGCGC).
Protein change: p.Glu118_Arg123del.
Molecular consequence: inframe deletion.
Genome position (GRCh38, 1-based): chr3:138,946,354-138,946,371, GCGCTCGCCGCCGCCCTC deleted on the plus strand (GAGGGCGGCGGCGAGCGC on the coding strand, the reverse complement: FOXL2 is on the minus strand); deleting any 18 consecutive bases within chr3:138,946,354-138,946,375 gives the same sequence; the c. name uses the placement nearest the transcript's 3' end. VCF-style (leftmost placement, unchanged base first): chr3-138946353-TGCGCTCGCCGCCGCCCTC-T. GRCh37 (hg19) VCF-style: chr3-138665195-TGCGCTCGCCGCCGCCCTC-T.
Identifiers: ClinVar variation 2725434 (VCV002725434.3), dbSNP rs2473814498, ClinGen allele CA2697556892.